The following is an entry in ClinVar:

ClinVar aggregate classification (germline): Likely benign (1 of 4 stars; one submission).

Submission:

GeneDx
Classification: Likely benign. Last evaluated: 2017-03-13. Review status: criteria provided, single submitter. Criteria: GeneDx Variant Classification (06012015). Collection method: clinical testing. Allele origin: germline. Affected: yes.
Comment: This variant is considered likely benign or benign based on one or more of the following criteria: it is a conservative change, it occurs at a poorly conserved position in the protein, it is predicted to be benign by multiple in silico algorithms, and/or has population frequency not consistent with disease.

NM_004982.4(KCNJ8):c.-88_-87delinsTT

Genes: KCNJ8-AS1 (KCNJ8 antisense RNA 1; plus strand), KCNJ8 (potassium inwardly rectifying channel subfamily J member 8; minus strand). Cytogenetic location: 12p12.1.
Variant type: Indel.
Coding change: c.-88_-87delinsTT on transcript NM_004982.4 (MANE Select); 88 bases upstream of the start codon through 87 bases upstream of the start codon, GC replaced by TT.
Molecular consequence: 5 prime UTR variant.
Genome position (GRCh38, 1-based): chr12:21,774,562-21,774,563, GC replaced by AA on the plus strand (GC replaced by TT on the coding strand, the reverse complement: KCNJ8 is on the minus strand). VCF-style: chr12-21774562-GC-AA. GRCh37 (hg19) VCF-style: chr12-21927496-GC-AA.
Identifiers: ClinVar variation 508217 (VCV000508217.1), dbSNP rs1555172627, ClinGen allele CA658797855.
Genomic context (GRCh38, chr12:21,774,562, plus strand): 5'-ACAGCCTCCCCCCTCCGCTCCCCCGGAGCAGCTTTGAAACTTACAGACTCCGGGTAGCGG[GC>AA]GCGGCGGCTGGACCTCCTTGCACACGCCGGCGGGCCGCGGGCAGGTCCCTCGCTCTCCCA-3'